The following is an entry in ClinVar:

NM_000219.6(KCNE1):c.153G>A (p.Leu51=)

Gene: KCNE1 (potassium voltage-gated channel subfamily E regulatory subunit 1; minus strand). Cytogenetic location: 21q22.12.
Variant type: single nucleotide variant.
Coding change: c.153G>A on transcript NM_000219.6 (MANE Select); coding-DNA position 153, G replaced by A.
Protein change: p.Leu51=; no amino-acid change (leucine 51 retained).
Molecular consequence: synonymous variant.
Genome position (GRCh38, 1-based): chr21:34,449,482, C>T on the plus strand (G>A on the coding strand, the complement: KCNE1 is on the minus strand). VCF-style: chr21-34449482-C-T. GRCh37 (hg19) VCF-style: chr21-35821780-C-T.
Other names: c.153G>A, p.Leu51= (NM_001127668.4, NM_001127669.4, NM_001127670.4 and 4 more transcripts).
Identifiers: ClinVar variation 3374186 (VCV003374186.2).

Conditions:
Long QT syndrome 5 (LQT5). Identifiers: Orphanet 101016, Orphanet 768, MedGen C1867904, MONDO:0013372, OMIM 613695.

Submission:

Roden Lab, Vanderbilt University Medical Center
No classification provided (evidence only). Condition: Long QT syndrome 5. Review status: no classification provided. Collection method: in vitro. Allele origin: not applicable. Functional consequence: Effect on ion channel function.
ClinVar note: "not provided" was previously submitted as the classification for the variant. However, the classification appeared to be based only on an observation of functional data so it was converted to no classification on 2025-07-30.